The following is an entry in ClinVar:

ClinVar aggregate classification (germline): Uncertain significance (1 of 4 stars; one submission).

gnomAD v4.1: 44 of 1,613,608 alleles (0.0027%); highest among the groups gnomAD compares: Non-Finnish European, 0.0036%; no homozygotes.

Submission:

Labcorp Genetics (formerly Invitae), Labcorp
Classification: Uncertain significance. Last evaluated: 2024-07-22. Review status: criteria provided, single submitter. Criteria: Invitae Variant Classification Sherloc (09022015). Collection method: clinical testing. Allele origin: germline.
Comment: This sequence change replaces serine, which is neutral and polar, with glycine, which is neutral and non-polar, at codon 330 of the GPC6 protein (p.Ser330Gly). This variant is not present in population databases (gnomAD no frequency). This variant has not been reported in the literature in individuals affected with GPC6-related conditions. Advanced modeling of protein sequence and biophysical properties (such as structural, functional, and spatial information, amino acid conservation, physicochemical variation, residue mobility, and thermodynamic stability) performed at Invitae indicates that this missense variant is not expected to disrupt GPC6 protein function with a negative predictive value of 80%. In summary, the available evidence is currently insufficient to determine the role of this variant in disease. Therefore, it has been classified as a Variant of Uncertain Significance.

NM_005708.5(GPC6):c.988A>G (p.Ser330Gly)

Gene: GPC6 (glypican 6; plus strand). Cytogenetic location: 13q31.3.
Variant type: single nucleotide variant.
Coding change: c.988A>G on transcript NM_005708.5 (MANE Select); coding-DNA position 988, A replaced by G.
Protein change: p.Ser330Gly; replaces serine 330 with glycine.
Molecular consequence: missense variant.
Genome position (GRCh38, 1-based): chr13:94,286,459, A>G. VCF-style: chr13-94286459-A-G. GRCh37 (hg19) VCF-style: chr13-94938713-A-G.
Other names: short protein forms S330G.
Identifiers: ClinVar variation 3674121 (VCV003674121.1).
Genomic context (GRCh38, chr13:94,286,459, plus strand): 5'-TCGGTCATGGACCCGATAGATGTCAAGATTTCTGAAGCCATTATGAACATGCAAGAAAAC[A>G]GCATGCAGGTGTCTGCAAAGGTATTTGCATTAGTAATGTATCTGCCAATACATGTATGTT-3'
Protein context (NP_005699.1, residues 320-340): SEAIMNMQEN[Ser330Gly]MQVSAKVFQG